The following is an entry in ClinVar:

ClinVar aggregate classification (germline): Benign. Review status: criteria provided, multiple submitters, no conflicts (2 of 4 stars). 3 submissions from 3 submitters: Benign (2). 1 of the submissions does not count toward it. Last evaluated 2019-12-31.

Conditions:
ROBO4-related disorder. Also called: ROBO4-related condition.

Allele frequency attached by ClinVar (database versions not stated): gnomAD exomes 0.00171; ExAC 0.00200; gnomAD 0.00645 and 0.00691; ESP Exome Variant Server 0.00685; 1000 Genomes Project 0.00739; TOPMed 0.00742; 1000 Genomes Project 30x 0.00750.
gnomAD v4.1: 1,920 of 1,614,064 alleles (0.12%); highest among the groups gnomAD compares: African/African-American, 2.2%; 29 homozygotes.

Submissions (3):

Labcorp Genetics (formerly Invitae), Labcorp
Classification: Benign. Last evaluated: 2019-12-31. Review status: criteria provided, single submitter. Criteria: Invitae Variant Classification Sherloc (09022015). Collection method: clinical testing. Allele origin: germline.

Breakthrough Genomics
Classification: Benign. Review status: criteria provided, single submitter. Criteria: ACMG Guidelines, 2015. Collection method: not provided. Allele origin: germline. Inheritance: Autosomal dominant inheritance. Affected: yes.

PreventionGenetics, part of Exact Sciences
Classification: Benign for ROBO4-related condition. Last evaluated: 2019-06-07. Review status: no assertion criteria provided. Collection method: clinical testing. Allele origin: germline. Not counted in ClinVar's aggregate classification.
Comment: This variant is classified as benign based on ACMG/AMP sequence variant interpretation guidelines (Richards et al. 2015 PMID: 25741868, with internal and published modifications).

NM_019055.6(ROBO4):c.2907C>T (p.Thr969=)

Gene: ROBO4 (roundabout guidance receptor 4; minus strand). Cytogenetic location: 11q24.2.
Variant type: single nucleotide variant.
Coding change: c.2907C>T on transcript NM_019055.6 (MANE Select); coding-DNA position 2907, C replaced by T.
Protein change: p.Thr969=; no amino-acid change (threonine 969 retained).
Molecular consequence: synonymous variant.
Genome position (GRCh38, 1-based): chr11:124,885,135, G>A on the plus strand (C>T on the coding strand, the complement: ROBO4 is on the minus strand). VCF-style: chr11-124885135-G-A. GRCh37 (hg19) VCF-style: chr11-124755031-G-A.
Other names: c.2472C>T, p.Thr824= (NM_001301088.2).
Identifiers: ClinVar variation 717253 (VCV000717253.7), dbSNP rs148605539, ClinGen allele CA6344467.
Genomic context (GRCh38, chr11:124,885,135, plus strand): 5'-TCTCTGGGAAGAGATCTGAGAGTCAGGGGGCCAGGGAGGCATCCCCCTTCCCAGCCGCTG[G>A]GTGTGGCTGACCTCCATGTCTTCCAACCAGTCTGGCCTCCACTCCCACAGGGGCAGGGAG-3'
Protein context (NP_061928.4, residues 959-979): DWLEDMEVSH[Thr969=]QRLGRGMPPW